The following is an entry in ClinVar:

NM_006096.4(NDRG1):c.67A>G (p.Ile23Val)

Gene: NDRG1 (N-myc downstream regulated 1; minus strand). Cytogenetic location: 8q24.22.
Variant type: single nucleotide variant.
Coding change: c.67A>G on transcript NM_006096.4 (MANE Select); coding-DNA position 67, A replaced by G.
Protein change: p.Ile23Val; replaces isoleucine 23 with valine.
Molecular consequence: missense variant. On other transcripts: 5 prime UTR variant (2), intron variant (1).
Genome position (GRCh38, 1-based): chr8:133,280,264, T>C on the plus strand (A>G on the coding strand, the complement: NDRG1 is on the minus strand). VCF-style: chr8-133280264-T-C. GRCh37 (hg19) VCF-style: chr8-134292507-T-C.
Other names: c.67A>G, p.Ile23Val (NM_001135242.2, NM_001374844.1, NM_001374845.1 and 1 more transcripts); c.-71A>G (NM_001258433.2); c.-132A>G (NM_001374847.1); c.-99-15612A>G (NM_001258432.2); short protein forms I23V.
Identifiers: ClinVar variation 1916860 (VCV001916860.5), dbSNP rs2538118894, ClinGen allele CA372248107.

ClinVar aggregate classification (germline): Uncertain significance (1 of 4 stars; one submission).

Conditions:
Charcot-Marie-Tooth disease type 4. Also called: Charcot-Marie-Tooth disease, type IV; Charcot-Marie-Tooth, Type 4. Identifiers: Orphanet 64749, MedGen C4082197, MONDO:0018995.

Allele frequency attached by ClinVar (database versions not stated): gnomAD exomes below 0.00001.
gnomAD v4.1: 1 of 1,614,146 alleles (0.000062%); highest among the groups gnomAD compares: Non-Finnish European, 0.000085%; no homozygotes.

Submission:

Labcorp Genetics (formerly Invitae), Labcorp
Classification: Uncertain significance for Charcot-Marie-Tooth disease type 4. Last evaluated: 2022-02-17. Review status: criteria provided, single submitter. Criteria: Invitae Variant Classification Sherloc (09022015). Collection method: clinical testing. Allele origin: germline.
Comment: In summary, the available evidence is currently insufficient to determine the role of this variant in disease. Therefore, it has been classified as a Variant of Uncertain Significance. Algorithms developed to predict the effect of missense changes on protein structure and function are either unavailable or do not agree on the potential impact of this missense change (SIFT: "Deleterious"; PolyPhen-2: "Benign"; Align-GVGD: "Class C0"). This variant has not been reported in the literature in individuals affected with NDRG1-related conditions. This variant is not present in population databases (gnomAD no frequency). This sequence change replaces isoleucine, which is neutral and non-polar, with valine, which is neutral and non-polar, at codon 23 of the NDRG1 protein (p.Ile23Val).